The following is an entry in ClinVar:

NM_000051.4(ATM):c.8517_8519del (p.Phe2839del)

Genes: ATM (ATM serine/threonine kinase; plus strand), C11orf65 (chromosome 11 open reading frame 65; minus strand). Cytogenetic location: 11q22.3.
Variant type: Deletion.
Coding change: c.8517_8519del on transcript NM_000051.4 (MANE Select); coding-DNA positions 8517 to 8519, 3 bases deleted (CTT; older notation c.8517_8519delCTT).
Protein change: p.Phe2839del; deletes phenylalanine 2839.
Molecular consequence: inframe deletion. On other transcripts: inframe indel (1), intron variant (2).
Genome position (GRCh38, 1-based): chr11:108,345,841-108,345,843, CTT deleted; deleting any 3 consecutive bases within chr11:108,345,839-108,345,843 gives the same sequence; the c. name uses the placement nearest the transcript's 3' end. VCF-style (leftmost placement, unchanged base first): chr11-108345838-ATTC-A. GRCh37 (hg19) VCF-style: chr11-108216565-ATTC-A.
Other names: c.8517_8519delCTT, p.Phe2839del (NM_000051.3); c.8517_8519del, p.Phe2839del (NM_001351834.2); c.641-36770_641-36768del (NM_001330368.2); c.695-10549_695-10547del (NM_001351110.2); short protein forms F2839del.
Identifiers: ClinVar variation 920933 (VCV000920933.5), dbSNP rs2088289040, ClinGen allele CA1139662201.

ClinVar aggregate classification (germline): Uncertain significance (1 of 4 stars; one submission).

Conditions:
Hereditary cancer-predisposing syndrome. Also called: Tumor predisposition; Neoplastic Syndromes, Hereditary; Hereditary neoplastic syndrome; Hereditary Cancer Syndrome. Identifiers: Orphanet 140162, MedGen C0027672, MeSH D009386, MONDO:0015356.

Submission:

Color Diagnostics, LLC DBA Color Health
Classification: Uncertain significance for Hereditary cancer-predisposing syndrome. Last evaluated: 2020-01-24. Review status: criteria provided, single submitter. Criteria: ACMG Guidelines, 2015. Collection method: clinical testing. Allele origin: germline.
Comment: This variant causes the deletion of one amino acid, phenylalanine 2839, located in the ATM protein. Splice site prediction tools suggest that this variant may not impact RNA splicing. To our knowledge, functional studies have not been performed for this variant. This variant has not been reported in individuals affected with hereditary cancer in the literature. This variant has not been identified in the general population by the Genome Aggregation Database (gnomAD). The available evidence is insufficient to determine the role of this variant in disease conclusively. Therefore, this variant is classified as a Variant of Uncertain Significance.